The following is an entry in ClinVar:

ClinVar aggregate classification (germline): Uncertain significance (1 of 4 stars; one submission).

Conditions:
Autosomal recessive ataxia, Beauce type. Also called: SYNE1 Deficiency; Spinocerebellar ataxia, autosomal recessive 8; ATAXIA, RECESSIVE, OF BEAUCE; SYNE1-Related Autosomal Recessive Cerebellar Ataxia. Identifiers: Orphanet 88644, MedGen C1853116, MONDO:0012549, OMIM 610743.

Submission:

Victorian Clinical Genetics Services, Murdoch Childrens Research Institute
Classification: Uncertain significance for Autosomal recessive ataxia, Beauce type. Last evaluated: 2020-05-26. Review status: criteria provided, single submitter. Criteria: ACMG Guidelines, 2015. Collection method: clinical testing. Allele origin: germline. Inheritance: Autosomal recessive inheritance. Affected: yes.
Comment: Based on the classification scheme VCGS_Germline_v1.1.1, this variant is classified as 3B - VUS. Following criteria are met: 0102 - Loss-of-function is a known mechanism of disease for this gene. (N) 0104 - Dominant Negative is a mechanism of disease for this gene. (N) 0108 - This gene is known to be associated with both recessive and dominant disease (OMIM). (N) 0200 - Variant is predicted to result in a missense amino acid change from alanine to aspartic acid (exon 56). (N) 0251 - Variant is heterozygous. (N) 0301 - Variant is absent from gnomAD. (P) 0503 - Missense variant consistently predicted to be tolerated or not conserved in mammals with a minor amino acid change. (B) 0600 - Variant is located in an annotated domain or motif (SMC B super family; NCBI). (N) 0705 - No comparable variants have previous evidence for pathogenicity. (N) 0807 - Variant has not previously been reported in a clinical context. (N) 0905 - No segregation evidence has been identified for this variant. (N) 1007 - No published functional evidence has been identified for this variant. (N) Legend: (P) - Pathogenic, (N) - Neutral, (B) - Benign

NM_182961.4(SYNE1):c.8783C>A (p.Ala2928Asp)

Genes: SYNE1 (spectrin repeat containing nuclear envelope protein 1; minus strand), SYNE1-AS1 (SYNE1 antisense RNA 1; plus strand). Cytogenetic location: 6q25.2.
Variant type: single nucleotide variant.
Coding change: c.8783C>A on transcript NM_182961.4 (MANE Select); coding-DNA position 8783, C replaced by A.
Protein change: p.Ala2928Asp; replaces alanine 2928 with aspartic acid.
Molecular consequence: missense variant. On other transcripts: non-coding transcript variant (1).
Genome position (GRCh38, 1-based): chr6:152,381,232, G>T on the plus strand (C>A on the coding strand, the complement: SYNE1 is on the minus strand). VCF-style: chr6-152381232-G-T. GRCh37 (hg19) VCF-style: chr6-152702367-G-T.
Other names: c.8804C>A, p.Ala2935Asp (NM_033071.5); short protein forms A2928D, A2935D.
Identifiers: ClinVar variation 3377367 (VCV003377367.1).